The following is an entry in ClinVar:

NM_002340.6(LSS):c.1304G>T (p.Arg435Leu)

Gene: LSS (lanosterol synthase; minus strand). Cytogenetic location: 21q22.3.
Variant type: single nucleotide variant.
Coding change: c.1304G>T on transcript NM_002340.6 (MANE Select); coding-DNA position 1304, G replaced by T.
Protein change: p.Arg435Leu; replaces arginine 435 with leucine.
Molecular consequence: missense variant.
Genome position (GRCh38, 1-based): chr21:46,208,264, C>A on the plus strand (G>T on the coding strand, the complement: LSS is on the minus strand). VCF-style: chr21-46208264-C-A. GRCh37 (hg19) VCF-style: chr21-47628178-C-A.
Other names: c.1304G>T, p.Arg435Leu (NM_001001438.3); c.1271G>T, p.Arg424Leu (NM_001145436.2); c.1064G>T, p.Arg355Leu (NM_001145437.2); short protein forms R355L, R435L, R424L.
Identifiers: ClinVar variation 4751470 (VCV004751470.1).
Genomic context (GRCh38, chr21:46,208,264, plus strand): 5'-GGCCTCCCCTGGGGGACGGGACAGGGATGGGGCTGGCTCCCGCATACCTTGCGCATCTGG[C>A]GGTAGTACTTCTGGTAGTCGGGAGGGTTATCTGGGACCTGGGCAGCATCGAGGGCAAATG-3'
Protein context (NP_002331.3, residues 425-445): DNPPDYQKYY[Arg435Leu]QMRKGGFSFS

ClinVar aggregate classification (germline): Uncertain significance (1 of 4 stars; one submission).

gnomAD v4.1: 85 of 1,552,360 alleles (0.0055%); highest among the groups gnomAD compares: Non-Finnish European, 0.0068%; no homozygotes.

Submission:

Labcorp Genetics (formerly Invitae), Labcorp
Classification: Uncertain significance. Last evaluated: 2025-11-11. Review status: criteria provided, single submitter. Criteria: Invitae Variant Classification Sherloc (09022015). Collection method: clinical testing. Allele origin: germline.
Comment: This sequence change replaces arginine, which is basic and polar, with leucine, which is neutral and non-polar, at codon 435 of the LSS protein (p.Arg435Leu). The frequency data for this variant in the population databases is considered unreliable, as metrics indicate poor data quality at this position in the gnomAD database. This variant has not been reported in the literature in individuals affected with LSS-related conditions. An algorithm developed to predict the effect of missense changes on protein structure and function (PolyPhen-2) suggests that this variant is likely to be disruptive. In summary, the available evidence is currently insufficient to determine the role of this variant in disease. Therefore, it has been classified as a Variant of Uncertain Significance.